The following is an entry in ClinVar:

NM_020713.3(ZNF512B):c.576C>A (p.Ile192=)

Gene: ZNF512B (zinc finger protein 512B; minus strand). Cytogenetic location: 20q13.33.
Variant type: single nucleotide variant.
Coding change: c.576C>A on transcript NM_020713.3 (MANE Select); coding-DNA position 576, C replaced by A.
Protein change: p.Ile192=; no amino-acid change (isoleucine 192 retained).
Molecular consequence: synonymous variant.
Genome position (GRCh38, 1-based): chr20:63,966,599, G>T on the plus strand (C>A on the coding strand, the complement: ZNF512B is on the minus strand). VCF-style: chr20-63966599-G-T. GRCh37 (hg19) VCF-style: chr20-62597952-G-T.
Identifiers: ClinVar variation 3049384 (VCV003049384.2), dbSNP rs143583869, ClinGen allele CA9971385.
Genomic context (GRCh38, chr20:63,966,599, plus strand): 5'-GATGCCAATGGGTTTGCTGACACCCACAGGTTTGCCAATAGTGACAGGTTTGCTCACTCC[G>T]ATGGGCTTGCTGACCCCAACAGGCCGGCTGATGGTGACCGGCCTGCTGATGGGCCCAGGC-3'
Protein context (NP_065764.1, residues 182-202): ISRPVGVSKP[Ile192=]GVSKPVTIGK

ClinVar aggregate classification (germline): Likely benign (0 of 4 stars; one submission).

Conditions:
ZNF512B-related disorder. Also called: ZNF512B-related condition.

Allele frequency attached by ClinVar (database versions not stated): 1000 Genomes Project 30x 0.00016; 1000 Genomes Project 0.00020; ESP Exome Variant Server 0.00046.
gnomAD v4.1: 81 of 1,613,648 alleles (0.005%); highest among the groups gnomAD compares: African/African-American, 0.1%; no homozygotes.

Submission:

PreventionGenetics, part of Exact Sciences
Classification: Likely benign for ZNF512B-related condition. Last evaluated: 2019-07-12. Review status: no assertion criteria provided. Collection method: clinical testing. Allele origin: germline.
Comment: This variant is classified as likely benign based on ACMG/AMP sequence variant interpretation guidelines (Richards et al. 2015 PMID: 25741868, with internal and published modifications).